The following is an entry in ClinVar:

ClinVar aggregate classification (germline): Pathogenic (1 of 4 stars; one submission).

Conditions:
CHARGE syndrome (CHARGE). Also called: Coloboma, heart anomaly, choanal atresia, retardation, genital and ear anomalies; CHARGE association; Hall-Hittner syndrome; Hittner Hirsch Kreh syndrome; CHARGE ASSOCIATION--COLOBOMA, HEART ANOMALY, CHOANAL ATRESIA, RETARDATION, GENITAL AND EAR ANOMALIES. Identifiers: Orphanet 138, MedGen C0265354, MONDO:0008965.

Submission:

Labcorp Genetics (formerly Invitae), Labcorp
Classification: Pathogenic for CHARGE syndrome. Last evaluated: 2022-08-23. Review status: criteria provided, single submitter. Criteria: Invitae Variant Classification Sherloc (09022015). Collection method: clinical testing. Allele origin: germline.
Comment: For these reasons, this variant has been classified as Pathogenic. This variant disrupts a region of the CHD7 protein in which other variant(s) (p.Glu2935*) have been determined to be pathogenic (PMID: 19021638). This suggests that this is a clinically significant region of the protein, and that variants that disrupt it are likely to be disease-causing. ClinVar contains an entry for this variant (Variation ID: 640219). This variant has not been reported in the literature in individuals affected with CHD7-related conditions. This variant is not present in population databases (gnomAD no frequency). This sequence change creates a premature translational stop signal (p.Ser2873Cysfs*62) in the CHD7 gene. While this is not anticipated to result in nonsense mediated decay, it is expected to disrupt the last 125 amino acid(s) of the CHD7 protein.

Literature cited by the submitters: PubMed 19021638.

NM_017780.4(CHD7):c.8618_8634del (p.Ser2873fs)

Gene: CHD7 (chromodomain helicase DNA binding protein 7; plus strand). Cytogenetic location: 8q12.2.
Variant type: Deletion.
Coding change: c.8618_8634del on transcript NM_017780.4 (MANE Select); coding-DNA positions 8618 to 8634, 17 bases deleted (CTGTTGGTGCTGCTACT).
Protein change: p.Ser2873fs; shifts the reading frame from serine 2873.
Molecular consequence: frameshift variant.
Genome position (GRCh38, 1-based): chr8:60,865,557-60,865,573, CTGTTGGTGCTGCTACT deleted; deleting any 17 consecutive bases within chr8:60,865,556-60,865,573 gives the same sequence; the c. name uses the placement nearest the transcript's 3' end. VCF-style (leftmost placement, unchanged base first): chr8-60865555-ATCTGTTGGTGCTGCTAC-A. GRCh37 (hg19) VCF-style: chr8-61778114-ATCTGTTGGTGCTGCTAC-A.
Other names: c.2471_2487del, p.Ser824fs (NM_001316690.1); short protein forms S824fs, S2873fs.
Identifiers: ClinVar variation 640219 (VCV000640219.10), dbSNP rs1586468521, ClinGen allele CA915945728.
Genomic context (GRCh38, chr8:60,865,555, plus strand): 5'-CGAGAACAAAGACTCTGAGAAAAGCACAGATGCTGTTTCGGCTGCTGACTCTGCGAATGG[ATCTGTTGGTGCTGCTAC>A]TGCCCCGGCTGGATTGCCCTCAAACCCGCTAGCCTTCAACCCTTTCCTCCTGTCCACAAT-3'